The following is an entry in ClinVar:

ClinVar aggregate classification (germline): Conflicting classifications of pathogenicity. Review status: criteria provided, conflicting classifications (1 of 4 stars). 4 submissions from 4 submitters: Uncertain significance (3); Likely benign (1). Last evaluated 2025-09-01.

Conditions:
Cardiovascular phenotype. Identifiers: MedGen CN230736.
Familial isolated arrhythmogenic right ventricular dysplasia. Identifiers: Orphanet 217656, MedGen C4274968, MONDO:0016342.
Cardiomyopathy (CMYO). Also called: Cardiomyopathies. Identifiers: Orphanet 167848, MedGen C0878544, MONDO:0004994, HP:0001638. Inheritance: Various modes of inheritance.
Arrhythmogenic right ventricular dysplasia 11. Also called: ARRHYTHMOGENIC RIGHT VENTRICULAR DYSPLASIA, FAMILIAL, 11; Arrhythmogenic Right Ventricular Dysplasia/Cardiomyopathy11; Arrhythmogenic right ventricular dysplasia 11 with mild palmoplantar keratoderma and woolly hair. Identifiers: MedGen C1864850, MONDO:0012506, OMIM 610476.

Allele frequency attached by ClinVar (database versions not stated): gnomAD 0.00001; gnomAD exomes 0.00001; TOPMed 0.00001; ExAC 0.00002.
gnomAD v4.1: 10 of 1,613,908 alleles (0.00062%); highest among the groups gnomAD compares: African/African-American, 0.0013%; no homozygotes.

Submissions (4):

Labcorp Genetics (formerly Invitae), Labcorp
Classification: Uncertain significance for Arrhythmogenic right ventricular dysplasia 11. Last evaluated: 2025-09-01. Review status: criteria provided, single submitter. Criteria: Invitae Variant Classification Sherloc (09022015). Collection method: clinical testing. Allele origin: germline.
Comment: This sequence change replaces asparagine, which is neutral and polar, with serine, which is neutral and polar, at codon 523 of the DSC2 protein (p.Asn523Ser). This variant is present in population databases (rs766187198, gnomAD 0.007%). This variant has not been reported in the literature in individuals affected with DSC2-related conditions. ClinVar contains an entry for this variant (Variation ID: 919782). Invitae Evidence Modeling of protein sequence and biophysical properties (such as structural, functional, and spatial information, amino acid conservation, physicochemical variation, residue mobility, and thermodynamic stability) indicates that this missense variant is not expected to disrupt DSC2 protein function with a negative predictive value of 80%. In summary, the available evidence is currently insufficient to determine the role of this variant in disease. Therefore, it has been classified as a Variant of Uncertain Significance.

Ambry Genetics
Classification: Likely benign for Cardiovascular phenotype. Last evaluated: 2024-10-29. Review status: criteria provided, single submitter. Criteria: Ambry Variant Classification Scheme 2023. Collection method: clinical testing. Allele origin: germline.

Color Diagnostics, LLC DBA Color Health
Classification: Uncertain significance for Cardiomyopathy. Last evaluated: 2024-03-06. Review status: criteria provided, single submitter. Criteria: ACMG Guidelines, 2015. Collection method: clinical testing. Allele origin: germline.
Comment: This missense variant replaces asparagine with serine at codon 523 of the DSC2 protein. Computational prediction suggests that this variant may not impact protein structure and function (internally defined REVEL score threshold <= 0.5, PMID: 27666373). To our knowledge, functional studies have not been reported for this variant. This variant has not been reported in individuals affected with DSC2-related disorders in the literature. This variant has been identified in 2/251138 chromosomes in the general population by the Genome Aggregation Database (gnomAD). The available evidence is insufficient to determine the role of this variant in disease conclusively. Therefore, this variant is classified as a Variant of Uncertain Significance.

All of Us Research Program, National Institutes of Health
Classification: Uncertain significance for Familial isolated arrhythmogenic right ventricular dysplasia. Last evaluated: 2023-12-13. Review status: criteria provided, single submitter. Criteria: ACMG Guidelines, 2015. Collection method: clinical testing. Allele origin: germline. Inheritance: Autosomal dominant inheritance. Observed: 4 variant alleles, 4 heterozygotes.
Comment: This missense variant replaces asparagine with serine at codon 523 of the DSC2 protein. Computational prediction suggests that this variant may not impact protein structure and function (internally defined REVEL score threshold <= 0.5, PMID: 27666373). Splice site prediction tools suggest that this variant may not impact RNA splicing. To our knowledge, functional studies have not been performed for this variant. This variant has not been reported in individuals affected with cardiovascular disorders in the literature. This variant has been identified in 2/251138 chromosomes in the general population by the Genome Aggregation Database (gnomAD). The available evidence is insufficient to determine the role of this variant in disease conclusively. Therefore, this variant is classified as a Variant of Uncertain Significance.

This study involves interpretation of variants in research participants for the purpose of population health screening. Participant phenotype was not available at the time of variant classification. Additional details can be found in publication PMID: 35346344, PMCID: PMC8962531

NM_024422.6(DSC2):c.1568A>G (p.Asn523Ser)

Gene: DSC2 (desmocollin 2; minus strand). Cytogenetic location: 18q12.1.
Variant type: single nucleotide variant.
Coding change: c.1568A>G on transcript NM_024422.6 (MANE Select); coding-DNA position 1568, A replaced by G.
Protein change: p.Asn523Ser; replaces asparagine 523 with serine.
Molecular consequence: missense variant.
Genome position (GRCh38, 1-based): chr18:31,079,942, T>C on the plus strand (A>G on the coding strand, the complement: DSC2 is on the minus strand). VCF-style: chr18-31079942-T-C. GRCh37 (hg19) VCF-style: chr18-28659908-T-C.
Other names: c.1568A>G, p.Asn523Ser (NM_004949.5); short protein forms N523S.
Identifiers: ClinVar variation 919782 (VCV000919782.15), dbSNP rs766187198, ClinGen allele CA032245.